The following is an entry in ClinVar:

NM_014171.6(CRIPT):c.29T>C (p.Leu10Pro)

Gene: CRIPT (CXXC repeat containing interactor of PDZ3 domain; plus strand). Cytogenetic location: 2p21.
Variant type: single nucleotide variant.
Coding change: c.29T>C on transcript NM_014171.6 (MANE Select); coding-DNA position 29, T replaced by C.
Protein change: p.Leu10Pro; replaces leucine 10 with proline.
Molecular consequence: missense variant.
Genome position (GRCh38, 1-based): chr2:46,618,785, T>C. VCF-style: chr2-46618785-T-C. GRCh37 (hg19) VCF-style: chr2-46845924-T-C.
Other names: short protein forms L10P.
Identifiers: ClinVar variation 2100126 (VCV002100126.4), dbSNP rs2466583722, ClinGen allele CA346700656.

ClinVar aggregate classification (germline): Uncertain significance (1 of 4 stars; one submission).

Submission:

Labcorp Genetics (formerly Invitae), Labcorp
Classification: Uncertain significance. Last evaluated: 2022-02-22. Review status: criteria provided, single submitter. Criteria: Invitae Variant Classification Sherloc (09022015). Collection method: clinical testing. Allele origin: germline.
Comment: In summary, the available evidence is currently insufficient to determine the role of this variant in disease. Therefore, it has been classified as a Variant of Uncertain Significance. Algorithms developed to predict the effect of missense changes on protein structure and function are either unavailable or do not agree on the potential impact of this missense change (SIFT: "Deleterious"; PolyPhen-2: "Benign"; Align-GVGD: "Class C0"). This variant has not been reported in the literature in individuals affected with CRIPT-related conditions. This variant is not present in population databases (gnomAD no frequency). This sequence change replaces leucine, which is neutral and non-polar, with proline, which is neutral and non-polar, at codon 10 of the CRIPT protein (p.Leu10Pro).